The following is an entry in ClinVar:

ClinVar aggregate classification (germline): Uncertain significance (1 of 4 stars; one submission).

Conditions:
Inborn genetic diseases. Identifiers: MedGen C0950123, MeSH D030342.

Submission:

Ambry Genetics
Classification: Uncertain significance for Inborn genetic diseases. Last evaluated: 2025-09-16. Review status: criteria provided, single submitter. Criteria: Ambry Variant Classification Scheme 2023. Collection method: clinical testing. Allele origin: germline.
Comment: The p.L39R variant (also known as c.116T>G), located in coding exon 1 of the GATA2 gene, results from a T to G substitution at nucleotide position 116. The leucine at codon 39 is replaced by arginine, an amino acid with dissimilar properties. This amino acid position is conserved. In addition, this alteration is predicted to be deleterious by in silico analysis. Based on the available evidence, the clinical significance of this variant remains unclear.

NM_032638.5(GATA2):c.116T>G (p.Leu39Arg)

Gene: GATA2 (GATA binding protein 2; minus strand). Cytogenetic location: 3q21.3.
Variant type: single nucleotide variant.
Coding change: c.116T>G on transcript NM_032638.5 (MANE Select); coding-DNA position 116, T replaced by G.
Protein change: p.Leu39Arg; replaces leucine 39 with arginine.
Molecular consequence: missense variant.
Genome position (GRCh38, 1-based): chr3:128,486,916, A>C on the plus strand (T>G on the coding strand, the complement: GATA2 is on the minus strand). VCF-style: chr3-128486916-A-C. GRCh37 (hg19) VCF-style: chr3-128205759-A-C.
Other names: c.116T>G, p.Leu39Arg (NM_001145661.2, NM_001145662.1); short protein forms L39R.
Identifiers: ClinVar variation 4620615 (VCV004620615.1).
Genomic context (GRCh38, chr3:128,486,916, plus strand): 5'-TAGGGGTTGCCCTGCGAGTCGAGGTGATTGAAGAAGACGTCCACCTCGTCTGGAGGCAGC[A>C]GCTGCGCGGGTTCCATGTAGTTGTGCGCCAGGCCCGGGTGGTGTGAGTCGGGGTGCTGCG-3'
Protein context (NP_116027.2, residues 29-49): LAHNYMEPAQ[Leu39Arg]LPPDEVDVFF